The following is an entry in ClinVar:

NM_015450.3(POT1):c.1687-9A>G

Gene: POT1 (protection of telomeres 1; minus strand). Cytogenetic location: 7q31.33.
Variant type: single nucleotide variant.
Coding change: c.1687-9A>G on transcript NM_015450.3 (MANE Select); 9 bases into the intron before coding-DNA position 1687, A replaced by G.
Molecular consequence: intron variant.
Genome position (GRCh38, 1-based): chr7:124,825,366, T>C on the plus strand (A>G on the coding strand, the complement: POT1 is on the minus strand). VCF-style: chr7-124825366-T-C. GRCh37 (hg19) VCF-style: chr7-124465420-T-C.
Other names: c.1294-9A>G (NM_001042594.2).
Identifiers: ClinVar variation 475058 (VCV000475058.12), dbSNP rs776461827, ClinGen allele CA4465001.

ClinVar aggregate classification (germline): Likely benign. Review status: criteria provided, multiple submitters, no conflicts (2 of 4 stars). 2 submissions from 2 submitters: Likely benign (2). Last evaluated 2026-08-25.

Conditions:
POT1-related disorder. Also called: POT1-related condition.
Tumor predisposition syndrome 3 (TPDS3). Also called: Melanoma, cutaneous malignant, susceptibility to, 10; Glioma susceptibility 9; LONG TELOMERE SYNDROME, POT1-RELATED; POT1 Tumor Predisposition. Identifiers: Orphanet 618, MedGen C4014476, MONDO:0014368, OMIM 615848.

Allele frequency attached by ClinVar (database versions not stated): gnomAD exomes below 0.00001 and 0.00001; TOPMed below 0.00001; ExAC 0.00001; gnomAD 0.00001.
gnomAD v4.1: 5 of 1,563,344 alleles (0.00032%); highest among the groups gnomAD compares: East Asian, 0.0068%; no homozygotes.

Submissions (2):

PreventionGenetics, part of Exact Sciences
Classification: Likely benign for POT1-related condition. Last evaluated: 2026-08-25. Review status: criteria provided, single submitter. Criteria: ACMG Guidelines, 2015. Collection method: clinical testing. Allele origin: germline.
Comment: This variant is classified as likely benign based on ACMG/AMP sequence variant interpretation guidelines (Richards et al. 2015 PMID: 25741868, with internal and published modifications).

Labcorp Genetics (formerly Invitae), Labcorp
Classification: Likely benign for Tumor predisposition syndrome 3. Last evaluated: 2025-07-27. Review status: criteria provided, single submitter. Criteria: Invitae Variant Classification Sherloc (09022015). Collection method: clinical testing. Allele origin: germline.